The following is an entry in ClinVar:

ClinVar aggregate classification (germline): Uncertain significance. Review status: criteria provided, multiple submitters, no conflicts (2 of 4 stars). 3 submissions from 3 submitters: Uncertain significance (3). Last evaluated 2026-04-16.

Conditions:
Hereditary cancer-predisposing syndrome. Also called: Tumor predisposition; Hereditary Cancer Syndrome; Hereditary neoplastic syndrome; Neoplastic Syndromes, Hereditary. Identifiers: Orphanet 140162, MedGen C0027672, MeSH D009386, MONDO:0015356.
Hereditary breast ovarian cancer syndrome. Also called: Hereditary breast and ovarian cancer syndrome (HBOC); Breast and ovarian cancer; Hereditary breast and ovarian cancer; Hereditary breast and ovarian cancer syndrome; BRCA1- and BRCA2-Associated Hereditary Breast and Ovarian Cancer; Hereditary breast and/or ovarian cancer syndrome. Identifiers: Orphanet 145, MedGen C0677776, MeSH D061325, MONDO:0003582. Disease mechanism: loss of function.

Submissions (3):

Women's Health and Genetics/Laboratory Corporation of America, LabCorp
Classification: Uncertain significance. Last evaluated: 2026-04-16. Review status: criteria provided, single submitter. Criteria: LabCorp Variant Classification Summary - May 2015. Collection method: clinical testing. Allele origin: germline.
Comment: Variant summary: BRCA2 c.8993C>A (p.Ser2998Tyr) results in a non-conservative amino acid change in the encoded protein sequence. Algorithms developed to predict the effect of missense changes on protein structure and function all suggest that this variant is likely to be disruptive. The variant was absent in 250772 control chromosomes. The available data on variant occurrences in the general population are insufficient to allow any conclusion about variant significance. To our knowledge, no occurrence of c.8993C>A in individuals affected with BRCA2-related conditions and no experimental evidence demonstrating its impact on protein function have been reported. ClinVar contains an entry for this variant (Variation ID: 491368). Based on the evidence outlined above, the variant was classified as uncertain significance.

Labcorp Genetics (formerly Invitae), Labcorp
Classification: Uncertain significance for Hereditary breast ovarian cancer syndrome. Last evaluated: 2025-09-04. Review status: criteria provided, single submitter. Criteria: Invitae Variant Classification Sherloc (09022015). Collection method: clinical testing. Allele origin: germline.
Comment: This sequence change replaces serine, which is neutral and polar, with tyrosine, which is neutral and polar, at codon 2998 of the BRCA2 protein (p.Ser2998Tyr). This variant is not present in population databases (gnomAD no frequency). This variant has not been reported in the literature in individuals affected with BRCA2-related conditions. ClinVar contains an entry for this variant (Variation ID: 491368). Invitae Evidence Modeling of protein sequence and biophysical properties (such as structural, functional, and spatial information, amino acid conservation, physicochemical variation, residue mobility, and thermodynamic stability) indicates that this missense variant is not expected to disrupt BRCA2 protein function with a negative predictive value of 95%. In summary, the available evidence is currently insufficient to determine the role of this variant in disease. Therefore, it has been classified as a Variant of Uncertain Significance.

Color Diagnostics, LLC DBA Color Health
Classification: Uncertain significance for Hereditary cancer-predisposing syndrome. Last evaluated: 2019-05-08. Review status: criteria provided, single submitter. Criteria: ACMG Guidelines, 2015. Collection method: clinical testing. Allele origin: germline.

NM_000059.4(BRCA2):c.8993C>A (p.Ser2998Tyr)

Gene: BRCA2 (BRCA2 DNA repair associated; plus strand). Cytogenetic location: 13q13.1.
Variant type: single nucleotide variant.
Coding change: c.8993C>A on transcript NM_000059.4 (MANE Select); coding-DNA position 8993, C replaced by A.
Protein change: p.Ser2998Tyr; replaces serine 2998 with tyrosine.
Molecular consequence: missense variant.
Genome position (GRCh38, 1-based): chr13:32,379,789, C>A. VCF-style: chr13-32379789-C-A. GRCh37 (hg19) VCF-style: chr13-32953926-C-A.
Other names: short protein forms S2998Y.
Identifiers: ClinVar variation 491368 (VCV000491368.13), dbSNP rs587780664, ClinGen allele CA387757432.